The following is an entry in ClinVar:

ClinVar aggregate classification (germline): Likely benign. Review status: criteria provided, multiple submitters, no conflicts (2 of 4 stars). 4 submissions from 4 submitters: Likely benign (2). 2 of the submissions do not count toward it. Last evaluated 2022-07-01.

Allele frequency attached by ClinVar (database versions not stated): 1000 Genomes Project 30x 0.00062; 1000 Genomes Project 0.00080; TOPMed 0.00189; gnomAD 0.00210 and 0.00211; gnomAD exomes 0.00217 and 0.00310; ExAC 0.00232; ESP Exome Variant Server 0.00254.
gnomAD v4.1: 4,833 of 1,613,898 alleles (0.3%); highest among the groups gnomAD compares: South Asian, 0.38%; 19 homozygotes.

Submissions (4):

CeGaT Center for Human Genetics Tuebingen
Classification: Likely benign. Last evaluated: 2022-07-01. Review status: criteria provided, single submitter. Criteria: CeGaT Center For Human Genetics Tuebingen Variant Classification Criteria Version 2. Collection method: clinical testing. Allele origin: germline. Affected: yes. Observed: 2 variant alleles.
Comment: ATXN10: BP4, BP7

Breakthrough Genomics
Classification: Likely benign. Review status: criteria provided, single submitter. Criteria: ACMG Guidelines, 2015. Collection method: not provided. Allele origin: germline. Inheritance: Autosomal dominant inheritance. Affected: yes.

Clinical Genetics DNA and cytogenetics Diagnostics Lab, Erasmus MC, Erasmus Medical Center
Classification: Likely benign. Review status: no assertion criteria provided. Collection method: clinical testing. Allele origin: germline. Affected: yes. Study: VKGL Data-share Consensus. Not counted in ClinVar's aggregate classification.

Genome Diagnostics Laboratory, University Medical Center Utrecht
Classification: Likely benign. Review status: no assertion criteria provided. Collection method: clinical testing. Allele origin: germline. Affected: yes. Study: VKGL Data-share Consensus. Not counted in ClinVar's aggregate classification.

NM_013236.4(ATXN10):c.1053C>T (p.Phe351=)

Gene: ATXN10 (ataxin 10; plus strand). Cytogenetic location: 22q13.31.
Variant type: single nucleotide variant.
Coding change: c.1053C>T on transcript NM_013236.4 (MANE Select); coding-DNA position 1053, C replaced by T.
Protein change: p.Phe351=; no amino-acid change (phenylalanine 351 retained).
Molecular consequence: synonymous variant.
Genome position (GRCh38, 1-based): chr22:45,740,418, C>T. VCF-style: chr22-45740418-C-T. GRCh37 (hg19) VCF-style: chr22-46136298-C-T.
Other names: c.861C>T, p.Phe287= (NM_001167621.2).
Identifiers: ClinVar variation 1284965 (VCV001284965.27), dbSNP rs41279801, ClinGen allele CA10287795.